The following is an entry in ClinVar:

NM_001267550.2(TTN):c.43696A>C (p.Ile14566Leu)

Gene: TTN (titin; minus strand). Cytogenetic location: 2q31.2.
Variant type: single nucleotide variant.
Coding change: c.43696A>C on transcript NM_001267550.2 (MANE Select); coding-DNA position 43696, A replaced by C.
Protein change: p.Ile14566Leu; replaces isoleucine 14566 with leucine.
Molecular consequence: missense variant.
Genome position (GRCh38, 1-based): chr2:178,632,198, T>G on the plus strand (A>C on the coding strand, the complement: TTN is on the minus strand). VCF-style: chr2-178632198-T-G. GRCh37 (hg19) VCF-style: chr2-179496925-T-G.
Other names: c.38773A>C, p.Ile12925Leu (NM_001256850.1); c.16501A>C, p.Ile5501Leu (NM_003319.4); c.35992A>C, p.Ile11998Leu (NM_133378.4); c.16876A>C, p.Ile5626Leu (NM_133432.3); c.17077A>C, p.Ile5693Leu (NM_133437.4); short protein forms I12925L, I14566L, I5626L, I5693L, I11998L, I5501L.
Identifiers: ClinVar variation 1777240 (VCV001777240.2), dbSNP rs1415295161, ClinGen allele CA349649350.

ClinVar aggregate classification (germline): Uncertain significance (1 of 4 stars; one submission).

Conditions:
Cardiovascular phenotype. Identifiers: MedGen CN230736.

Allele frequency attached by ClinVar (database versions not stated): TOPMed below 0.00001; gnomAD exomes 0.00001.
gnomAD v4.1: 19 of 1,609,084 alleles (0.0012%); highest among the groups gnomAD compares: Non-Finnish European, 0.0014%; no homozygotes.

Submission:

Ambry Genetics
Classification: Uncertain significance for Cardiovascular phenotype. Last evaluated: 2018-07-07. Review status: criteria provided, single submitter. Criteria: Ambry Variant Classification Scheme 2023. Collection method: clinical testing. Allele origin: germline.
Comment: The p.I5501L variant (also known as c.16501A>C), located in coding exon 63 of the TTN gene, results from an A to C substitution at nucleotide position 16501. The isoleucine at codon 5501 is replaced by leucine, an amino acid with highly similar properties. This amino acid position is highly conserved in available vertebrate species. In addition, the in silico prediction for this alteration is inconclusive. Since supporting evidence is limited at this time, the clinical significance of this alteration remains unclear.